The following is an entry in ClinVar:

ClinVar aggregate classification (germline): Uncertain significance (1 of 4 stars; one submission).

Allele frequency attached by ClinVar (database versions not stated): TOPMed below 0.00001; gnomAD 0.00001.
gnomAD v4.1: 1 of 1,613,882 alleles (0.000062%); highest among the groups gnomAD compares: Non-Finnish European, 0.000085%; no homozygotes.

Submission:

Labcorp Genetics (formerly Invitae), Labcorp
Classification: Uncertain significance. Last evaluated: 2022-08-15. Review status: criteria provided, single submitter. Criteria: Invitae Variant Classification Sherloc (09022015). Collection method: clinical testing. Allele origin: germline.
Comment: This sequence change replaces threonine, which is neutral and polar, with alanine, which is neutral and non-polar, at codon 1097 of the NBAS protein (p.Thr1097Ala). This variant is not present in population databases (gnomAD no frequency). This variant has not been reported in the literature in individuals affected with NBAS-related conditions. Algorithms developed to predict the effect of missense changes on protein structure and function output the following: SIFT: "Deleterious"; PolyPhen-2: "Benign"; Align-GVGD: "Class C55". The alanine amino acid residue is found in multiple mammalian species, which suggests that this missense change does not adversely affect protein function. In summary, the available evidence is currently insufficient to determine the role of this variant in disease. Therefore, it has been classified as a Variant of Uncertain Significance.

NM_015909.4(NBAS):c.3289A>G (p.Thr1097Ala)

Gene: NBAS (NBAS subunit of NRZ tethering complex; minus strand). Cytogenetic location: 2p24.3.
Variant type: single nucleotide variant.
Coding change: c.3289A>G on transcript NM_015909.4 (MANE Select); coding-DNA position 3289, A replaced by G.
Protein change: p.Thr1097Ala; replaces threonine 1097 with alanine.
Molecular consequence: missense variant. On other transcripts: non-coding transcript variant (1).
Genome position (GRCh38, 1-based): chr2:15,383,286, T>C on the plus strand (A>G on the coding strand, the complement: NBAS is on the minus strand). VCF-style: chr2-15383286-T-C. GRCh37 (hg19) VCF-style: chr2-15523410-T-C.
Other names: short protein forms T1097A.
Identifiers: ClinVar variation 2088916 (VCV002088916.1), dbSNP rs1223290110, ClinGen allele CA345898044.